The following is an entry in ClinVar:

ClinVar aggregate classification (germline): Uncertain significance (1 of 4 stars; one submission).

Submission:

Ambry Genetics
Classification: Uncertain significance. Last evaluated: 2023-09-20. Review status: criteria provided, single submitter. Criteria: Ambry Variant Classification Scheme 2023. Collection method: clinical testing. Allele origin: germline.
Comment: The p.I440F variant (also known as c.1318A>T), located in coding exon 13 of the NPAT gene, results from an A to T substitution at nucleotide position 1318. The isoleucine at codon 440 is replaced by phenylalanine, an amino acid with highly similar properties. This amino acid position is conserved. In addition, this alteration is predicted to be tolerated by in silico analysis. Since supporting evidence is limited at this time, the clinical significance of this alteration remains unclear.

NM_002519.3(NPAT):c.1318A>T (p.Ile440Phe)

Gene: NPAT (nuclear protein, coactivator of histone transcription; minus strand). Cytogenetic location: 11q22.3.
Variant type: single nucleotide variant.
Coding change: c.1318A>T on transcript NM_002519.3 (MANE Select); coding-DNA position 1318, A replaced by T.
Protein change: p.Ile440Phe; replaces isoleucine 440 with phenylalanine.
Molecular consequence: missense variant.
Genome position (GRCh38, 1-based): chr11:108,173,666, T>A on the plus strand (A>T on the coding strand, the complement: NPAT is on the minus strand). VCF-style: chr11-108173666-T-A. GRCh37 (hg19) VCF-style: chr11-108044393-T-A.
Other names: c.1318A>T, p.Ile440Phe (NM_001321307.1); short protein forms I440F.
Identifiers: ClinVar variation 3222459 (VCV003222459.1), dbSNP rs2496721767, ClinGen allele CA382515631.
Genomic context (GRCh38, chr11:108,173,666, plus strand): 5'-TAGAATTCCCTCTTTGGTTAAAGTCATTCAAATTAGGCACGGACTCAAAGGTAATGTCAA[T>A]GTCACACTTCTGTTCAGTGGGTACAGCTGTTTTAAAGGCCTTTTTCTGTATGCTGGTACT-3'
Protein context (NP_002510.2, residues 430-450): TAVPTEQKCD[Ile440Phe]DITFESVPNL